The following is an entry in ClinVar:

NM_001098484.3(SLC4A4):c.777T>C (p.Asn259=)

Gene: SLC4A4 (solute carrier family 4 member 4; plus strand). Cytogenetic location: 4q13.3.
Variant type: single nucleotide variant.
Coding change: c.777T>C on transcript NM_001098484.3 (MANE Select); coding-DNA position 777, T replaced by C.
Protein change: p.Asn259=; no amino-acid change (asparagine 259 retained).
Molecular consequence: synonymous variant.
Genome position (GRCh38, 1-based): chr4:71,397,623, T>C. VCF-style: chr4-71397623-T-C. GRCh37 (hg19) VCF-style: chr4-72263340-T-C.
Other names: c.645T>C (NM_003759.3); c.777T>C, p.Asn259= (NM_001134742.2); c.645T>C, p.Asn215= (NM_003759.4).
Identifiers: ClinVar variation 1907035 (VCV001907035.7), dbSNP rs753910169, ClinGen allele CA2954652.

ClinVar aggregate classification (germline): Likely benign. Review status: criteria provided, single submitter (1 of 4 stars). 2 submissions from 2 submitters: Likely benign (1). 1 of the submissions does not count toward it. Last evaluated 2025-06-12.

Conditions:
SLC4A4-related disorder. Also called: SLC4A4-related condition.

Allele frequency attached by ClinVar (database versions not stated): gnomAD 0.00001; gnomAD exomes 0.00001; TOPMed 0.00001; ExAC 0.00002.
gnomAD v4.1: 12 of 1,613,960 alleles (0.00074%); highest among the groups gnomAD compares: East Asian, 0.022%; no homozygotes.

Submissions (2):

Labcorp Genetics (formerly Invitae), Labcorp
Classification: Likely benign. Last evaluated: 2025-06-12. Review status: criteria provided, single submitter. Criteria: Invitae Variant Classification Sherloc (09022015). Collection method: clinical testing. Allele origin: germline.

PreventionGenetics, part of Exact Sciences
Classification: Likely benign for SLC4A4-related condition. Last evaluated: 2021-06-22. Review status: no assertion criteria provided. Collection method: clinical testing. Allele origin: germline. Not counted in ClinVar's aggregate classification.
Comment: This variant is classified as likely benign based on ACMG/AMP sequence variant interpretation guidelines (Richards et al. 2015 PMID: 25741868, with internal and published modifications).